The following is an entry in ClinVar:

ClinVar aggregate classification (germline): Uncertain significance. Review status: criteria provided, multiple submitters, no conflicts (2 of 4 stars). 2 submissions from 2 submitters: Uncertain significance (2). Last evaluated 2026-08-13.

Conditions:
ABCB4-related disorder. Also called: ABCB4-related disorders; ABCB4-related condition.

Allele frequency attached by ClinVar (database versions not stated): gnomAD exomes below 0.00001; TOPMed below 0.00001; gnomAD 0.00001.
gnomAD v4.1: 7 of 1,608,232 alleles (0.00044%); highest among the groups gnomAD compares: African/African-American, 0.0013%; no homozygotes.

Submissions (2):

PreventionGenetics, part of Exact Sciences
Classification: Uncertain significance for ABCB4-related condition. Last evaluated: 2026-08-13. Review status: criteria provided, single submitter. Criteria: ACMG Guidelines, 2015. Collection method: clinical testing. Allele origin: germline.
Comment: The ABCB4 c.1060A>G variant is predicted to result in the amino acid substitution p.Ile354Val. To our knowledge, this variant has not been reported in the literature or in a large population database (gnomAD), indicating this variant is rare. At this time, the clinical significance of this variant is uncertain due to the absence of conclusive functional and genetic evidence.

Eurofins Ntd Llc (ga)
Classification: Uncertain significance. Last evaluated: 2016-09-26. Review status: criteria provided, single submitter. Criteria: EGL Classification Definitions 2015. Collection method: clinical testing. Allele origin: germline. Observed: 1 variant allele, 1 heterozygote.

NM_000443.4(ABCB4):c.1060A>G (p.Ile354Val)

Gene: ABCB4 (ATP binding cassette subfamily B member 4; minus strand). Cytogenetic location: 7q21.12.
Variant type: single nucleotide variant.
Coding change: c.1060A>G on transcript NM_000443.4 (MANE Select); coding-DNA position 1060, A replaced by G.
Protein change: p.Ile354Val; replaces isoleucine 354 with valine.
Molecular consequence: missense variant.
Genome position (GRCh38, 1-based): chr7:87,444,921, T>C on the plus strand (A>G on the coding strand, the complement: ABCB4 is on the minus strand). VCF-style: chr7-87444921-T-C. GRCh37 (hg19) VCF-style: chr7-87074237-T-C.
Other names: c.1060A>G (NM_000443.3); c.1060A>G, p.Ile354Val (NM_018849.3, NM_018850.3); short protein forms I354V.
Identifiers: ClinVar variation 497608 (VCV000497608.7), dbSNP rs1432272679, ClinGen allele CA368048024.